The following is an entry in ClinVar:

NM_002880.4(RAF1):c.434_435insCTT (p.Thr145_Phe146insLeu)

Gene: RAF1 (Raf-1 proto-oncogene, serine/threonine kinase; minus strand). Cytogenetic location: 3p25.2.
Variant type: Insertion.
Coding change: c.434_435insCTT on transcript NM_002880.4 (MANE Select); coding-DNA positions 434 to 435, CTT inserted.
Protein change: p.Thr145_Phe146insLeu.
Molecular consequence: inframe insertion. On other transcripts: non-coding transcript variant (3).
Genome position: GRCh38 VCF-style: chr3-12608912-C-CAAG. GRCh37 (hg19) VCF-style: chr3-12650411-C-CAAG.
Other names: c.434_435insCTT, p.Thr145_Phe146insLeu (NM_001354689.3, NM_001354690.3, NM_001354693.3); c.191_192insCTT, p.Thr64_Phe65insLeu (NM_001354691.3, NM_001354692.3, NM_001354694.3 and 1 more transcripts).
Identifiers: ClinVar variation 3776212 (VCV003776212.1).

ClinVar aggregate classification (germline): Uncertain significance (1 of 4 stars; one submission).

Conditions:
Dilated cardiomyopathy 1NN. Identifiers: Orphanet 154, MedGen C4014656, MONDO:0014396, OMIM 615916.

Submission:

3billion
Classification: Uncertain significance for Dilated cardiomyopathy 1NN. Last evaluated: 2023-08-17. Review status: criteria provided, single submitter. Criteria: ACMG Guidelines, 2015. Collection method: clinical testing. Allele origin: germline. Affected: yes.
Comment: The variant is not observed in the gnomAD v2.1.1 dataset. Predicted Consequence/Location: Inframe insertion located in a nonrepeat region: predicted to change the length of the protein and disrupt normal protein function. Therefore, this variant is classified as VUS according to the recommendation of ACMG/AMP guideline.